The following is an entry in ClinVar:

NM_000535.7(PMS2):c.1198C>T (p.Gln400Ter)

Gene: PMS2 (PMS1 homolog 2, mismatch repair system component; minus strand). Cytogenetic location: 7p22.1.
Variant type: single nucleotide variant.
Coding change: c.1198C>T on transcript NM_000535.7 (MANE Select); coding-DNA position 1198, C replaced by T.
Protein change: p.Gln400Ter; replaces glutamine 400 with a stop codon.
Molecular consequence: nonsense. On other transcripts: non-coding transcript variant (1).
Genome position (GRCh38, 1-based): chr7:5,987,567, G>A on the plus strand (C>T on the coding strand, the complement: PMS2 is on the minus strand). VCF-style: chr7-5987567-G-A. GRCh37 (hg19) VCF-style: chr7-6027198-G-A.
Other names: c.793C>T, p.Gln265Ter (NM_001322003.2, NM_001322004.2, NM_001322005.2 and 1 more transcripts); c.1042C>T, p.Gln348Ter (NM_001322006.2); c.880C>T, p.Gln294Ter (NM_001322007.2, NM_001322008.2); c.637C>T, p.Gln213Ter (NM_001322010.2); c.265C>T, p.Gln89Ter (NM_001322011.2, NM_001322012.2); c.625C>T, p.Gln209Ter (NM_001322013.2); c.1198C>T, p.Gln400Ter (NM_001322014.2); c.889C>T, p.Gln297Ter (NM_001322015.2); short protein forms Q400*, Q294*, Q89*, Q297*, Q209*, Q265*, Q213*, Q348*.
Identifiers: ClinVar variation 230950 (VCV000230950.7), dbSNP rs876658862, ClinGen allele CA10578682.

ClinVar aggregate classification (germline): Pathogenic. Review status: criteria provided, multiple submitters, no conflicts (2 of 4 stars). 2 submissions from 2 submitters: Pathogenic (2). Last evaluated 2024-07-16.

Conditions:
Hereditary nonpolyposis colorectal neoplasms. Identifiers: MedGen C0009405, MeSH D003123.
Hereditary cancer-predisposing syndrome. Also called: Neoplastic Syndromes, Hereditary; Tumor predisposition; Hereditary Cancer Syndrome; Hereditary neoplastic syndrome. Identifiers: Orphanet 140162, MedGen C0027672, MeSH D009386, MONDO:0015356.

Submissions (2):

Labcorp Genetics (formerly Invitae), Labcorp
Classification: Pathogenic for Hereditary nonpolyposis colorectal neoplasms. Last evaluated: 2024-07-16. Review status: criteria provided, single submitter. Criteria: Invitae Variant Classification Sherloc (09022015). Collection method: clinical testing. Allele origin: germline.
Comment: This sequence change creates a premature translational stop signal (p.Gln400*) in the PMS2 gene. It is expected to result in an absent or disrupted protein product. Loss-of-function variants in PMS2 are known to be pathogenic (PMID: 21376568, 24362816). This variant is not present in population databases (gnomAD no frequency). This variant has not been reported in the literature in individuals affected with PMS2-related conditions. ClinVar contains an entry for this variant (Variation ID: 230950). Algorithms developed to predict the effect of sequence changes on RNA splicing suggest that this variant may disrupt the consensus splice site. For these reasons, this variant has been classified as Pathogenic.

Ambry Genetics
Classification: Pathogenic for Hereditary cancer-predisposing syndrome. Last evaluated: 2022-06-23. Review status: criteria provided, single submitter. Criteria: Ambry Variant Classification Scheme 2023. Collection method: clinical testing. Allele origin: germline.
Comment: The p.Q400* pathogenic mutation (also known as c.1198C>T), located in coding exon 11 of the PMS2 gene, results from a C to T substitution at nucleotide position 1198. This changes the amino acid from a glutamine to a stop codon within coding exon 11. This alteration is expected to result in loss of function by premature protein truncation or nonsense-mediated mRNA decay. As such, this alteration is interpreted as a disease-causing mutation.

Literature cited by the submitters: PubMed 21376568 (cited by Labcorp Genetics (formerly Invitae), Labcorp); PubMed 24362816 (cited by Labcorp Genetics (formerly Invitae), Labcorp).